The following is an entry in ClinVar:

NC_000005.9:g.(?_130980378)_(131014888_?)del

Gene: FNIP1 (folliculin interacting protein 1; minus strand). Cytogenetic location: 5q31.1.
Variant type: Deletion.
Identifiers: ClinVar variation 3246565 (VCV003246565.1).

ClinVar aggregate classification (germline): Uncertain significance (1 of 4 stars; one submission).

Submission:

Labcorp Genetics (formerly Invitae), Labcorp
Classification: Uncertain significance. Last evaluated: 2023-08-07. Review status: criteria provided, single submitter. Criteria: Invitae Variant Classification Sherloc (09022015). Collection method: clinical testing. Allele origin: unknown.
Comment: In summary, the available evidence is currently insufficient to determine the role of this variant in disease. Therefore, it has been classified as a Variant of Uncertain Significance. Experimental studies and prediction algorithms are not available or were not evaluated, and the functional significance of this variant is currently unknown. This variant has not been reported in the literature in individuals affected with FNIP1-related conditions. This variant is a gross deletion of the genomic region encompassing exon(s) 12-18 of the FNIP1 gene, which includes the termination codon. This deletion extends beyond the assayed region for this gene and therefore may encompass additional genes. While this deletion is not anticipated to lead to nonsense mediated decay, it is expected to alter mRNA translation or result in a truncated protein product.